The following is an entry in ClinVar:

ClinVar aggregate classification (germline): Benign (1 of 4 stars; one submission).

Conditions:
Deficiency of malonyl-CoA decarboxylase. Also called: Malonic aciduria; MCD deficiency. Identifiers: Orphanet 943, MedGen C0342793, MONDO:0009556, OMIM 248360.

Allele frequency attached by ClinVar (database versions not stated): gnomAD 0.00001 and 0.00057; TOPMed 0.00007; gnomAD exomes 0.00193; ExAC 0.00220; 1000 Genomes Project 30x 0.00484; 1000 Genomes Project 0.00539.

Submission:

Illumina Laboratory Services, Illumina
Classification: Benign for Deficiency of malonyl-CoA decarboxylase. Last evaluated: 2018-01-13. Review status: criteria provided, single submitter. Criteria: ICSL Variant Classification Criteria 13 December 2019. Collection method: clinical testing. Allele origin: germline.
Comment: This variant was observed in the ICSL laboratory as part of a predisposition screen in an ostensibly healthy population. It had not been previously curated by ICSL or reported in the Human Gene Mutation Database (HGMD: prior to June 1st, 2018), and was therefore a candidate for classification through an automated scoring system. Utilizing variant allele frequency, disease prevalence and penetrance estimates, and inheritance mode, an automated score was calculated to assess if this variant is too frequent to cause the disease. Based on the score and internal cut-off values, a variant classified as benign is not then subjected to further curation. The score for this variant resulted in a classification of benign for this disease.

NM_012213.3(MLYCD):c.*27C>T

Gene: MLYCD (malonyl-CoA decarboxylase; plus strand). Cytogenetic location: 16q23.3.
Variant type: single nucleotide variant.
Coding change: c.*27C>T on transcript NM_012213.3 (MANE Select); 27 bases downstream of the stop codon, C replaced by T.
Molecular consequence: 3 prime UTR variant.
Genome position (GRCh38, 1-based): chr16:83,915,516, C>T. VCF-style: chr16-83915516-C-T. GRCh37 (hg19) VCF-style: chr16-83949121-C-T.
Identifiers: ClinVar variation 320741 (VCV000320741.5), dbSNP rs565054759, ClinGen allele CA8197658.